The following is an entry in ClinVar:

ClinVar aggregate classification (germline): Uncertain significance. Review status: criteria provided, multiple submitters, no conflicts (2 of 4 stars). 2 submissions from 2 submitters: Uncertain significance (2). Last evaluated 2025-11-26.

Conditions:
Inborn genetic diseases. Identifiers: MedGen C0950123, MeSH D030342.

Allele frequency attached by ClinVar (database versions not stated): gnomAD exomes below 0.00001; TOPMed below 0.00001; gnomAD 0.00001.

Submissions (2):

Ambry Genetics
Classification: Uncertain significance for Inborn genetic diseases. Last evaluated: 2025-11-26. Review status: criteria provided, single submitter. Criteria: Ambry Variant Classification Scheme 2023. Collection method: clinical testing. Allele origin: germline.

Labcorp Genetics (formerly Invitae), Labcorp
Classification: Uncertain significance. Last evaluated: 2022-06-16. Review status: criteria provided, single submitter. Criteria: Invitae Variant Classification Sherloc (09022015). Collection method: clinical testing. Allele origin: germline.
Comment: In summary, the available evidence is currently insufficient to determine the role of this variant in disease. Therefore, it has been classified as a Variant of Uncertain Significance. Algorithms developed to predict the effect of missense changes on protein structure and function output the following: SIFT: "Deleterious"; PolyPhen-2: "Possibly Damaging"; Align-GVGD: "Class C0". The tyrosine amino acid residue is found in multiple mammalian species, which suggests that this missense change does not adversely affect protein function. This variant has not been reported in the literature in individuals affected with VCAN-related conditions. This variant is not present in population databases (gnomAD no frequency). This sequence change replaces histidine, which is basic and polar, with tyrosine, which is neutral and polar, at codon 2606 of the VCAN protein (p.His2606Tyr).

NM_004385.5(VCAN):c.7816C>T (p.His2606Tyr)

Genes: VCAN (versican; plus strand), VCAN-AS1 (VCAN antisense RNA 1; minus strand). Cytogenetic location: 5q14.3.
Variant type: single nucleotide variant.
Coding change: c.7816C>T on transcript NM_004385.5 (MANE Select); coding-DNA position 7816, C replaced by T.
Protein change: p.His2606Tyr; replaces histidine 2606 with tyrosine.
Molecular consequence: missense variant. On other transcripts: intron variant (2).
Genome position (GRCh38, 1-based): chr5:83,540,819, C>T. VCF-style: chr5-83540819-C-T. GRCh37 (hg19) VCF-style: chr5-82836638-C-T.
Other names: c.4855C>T, p.His1619Tyr (NM_001164097.2); c.4004-4718C>T (NM_001164098.2); c.1043-4718C>T (NM_001126336.3); c.7816C>T (NM_004385.4); short protein forms H1619Y, H2606Y.
Identifiers: ClinVar variation 1998370 (VCV001998370.5), dbSNP rs1467383983, ClinGen allele CA360315570.